The following is an entry in ClinVar:

ClinVar aggregate classification (germline): Uncertain significance (1 of 4 stars; one submission).

Submission:

Labcorp Genetics (formerly Invitae), Labcorp
Classification: Uncertain significance. Last evaluated: 2022-07-30. Review status: criteria provided, single submitter. Criteria: Invitae Variant Classification Sherloc (09022015). Collection method: clinical testing. Allele origin: germline.
Comment: This sequence change replaces aspartic acid, which is acidic and polar, with alanine, which is neutral and non-polar, at codon 2229 of the IGSF10 protein (p.Asp2229Ala). In summary, the available evidence is currently insufficient to determine the role of this variant in disease. Therefore, it has been classified as a Variant of Uncertain Significance. Algorithms developed to predict the effect of missense changes on protein structure and function are either unavailable or do not agree on the potential impact of this missense change (SIFT: "Deleterious"; PolyPhen-2: "Possibly Damaging"; Align-GVGD: "Class C0"). This variant has not been reported in the literature in individuals affected with IGSF10-related conditions. This variant is not present in population databases (gnomAD no frequency).

NM_178822.5(IGSF10):c.6686A>C (p.Asp2229Ala)

Gene: IGSF10 (immunoglobulin superfamily member 10; minus strand). Cytogenetic location: 3q25.1.
Variant type: single nucleotide variant.
Coding change: c.6686A>C on transcript NM_178822.5 (MANE Select); coding-DNA position 6686, A replaced by C.
Protein change: p.Asp2229Ala; replaces aspartic acid 2229 with alanine.
Molecular consequence: missense variant.
Genome position (GRCh38, 1-based): chr3:151,437,875, T>G on the plus strand (A>C on the coding strand, the complement: IGSF10 is on the minus strand). VCF-style: chr3-151437875-T-G. GRCh37 (hg19) VCF-style: chr3-151155663-T-G.
Other names: c.623A>C, p.Asp208Ala (NM_001178145.3, NM_001178146.3); c.6686A>C, p.Asp2229Ala (NM_001385060.1, NM_001385061.1, NM_001385062.1 and 1 more transcripts); short protein forms D2229A, D208A.
Identifiers: ClinVar variation 1940659 (VCV001940659.5), dbSNP rs745353255, ClinGen allele CA354990843.